The following is an entry in ClinVar:

ClinVar aggregate classification (germline): Uncertain significance (1 of 4 stars; one submission).

Submission:

GeneDx
Classification: Uncertain significance. Last evaluated: 2022-10-21. Review status: criteria provided, single submitter. Criteria: GeneDx Variant Classification Process June 2021. Collection method: clinical testing. Allele origin: germline. Affected: yes.
Comment: Not observed at significant frequency in large population cohorts (gnomAD); In silico analysis supports that this missense variant has a deleterious effect on protein structure/function; Has not been previously published as pathogenic or benign to our knowledge; Variants in candidate genes are classified as variants of uncertain significance in accordance with ACMG guidelines (Richards et al., 2015)

NM_013450.4(BAZ2B):c.2678A>C (p.Glu893Ala)

Gene: BAZ2B (bromodomain adjacent to zinc finger domain 2B; minus strand). Cytogenetic location: 2q24.2.
Variant type: single nucleotide variant.
Coding change: c.2678A>C on transcript NM_013450.4 (MANE Select); coding-DNA position 2678, A replaced by C.
Protein change: p.Glu893Ala; replaces glutamic acid 893 with alanine.
Molecular consequence: missense variant.
Genome position (GRCh38, 1-based): chr2:159,405,114, T>G on the plus strand (A>C on the coding strand, the complement: BAZ2B is on the minus strand). VCF-style: chr2-159405114-T-G. GRCh37 (hg19) VCF-style: chr2-160261625-T-G.
Other names: c.2570A>C, p.Glu857Ala (NM_001289975.1); c.2489A>C, p.Glu830Ala (NM_001329857.2); c.2576A>C, p.Glu859Ala (NM_001329858.2); short protein forms E830A, E857A, E859A, E893A.
Identifiers: ClinVar variation 3342682 (VCV003342682.1).